The following is an entry in ClinVar:

ClinVar aggregate classification (germline): Uncertain significance (1 of 4 stars; one submission).

Conditions:
T-cell immunodeficiency, congenital alopecia, and nail dystrophy. Also called: Congenital alopecia and nail dystrophy associated with severe functional T-cell immunodeficiency; Pignata Guarino syndrome. Identifiers: Orphanet 169095, MedGen C1866426, MONDO:0011132, OMIM 601705.

gnomAD v4.1: 2 of 1,613,784 alleles (0.00012%); highest among the groups gnomAD compares: Non-Finnish European, 0.000085%; no homozygotes.

Submission:

Labcorp Genetics (formerly Invitae), Labcorp
Classification: Uncertain significance for T-cell immunodeficiency, congenital alopecia, and nail dystrophy. Last evaluated: 2023-07-14. Review status: criteria provided, single submitter. Criteria: Invitae Variant Classification Sherloc (09022015). Collection method: clinical testing. Allele origin: germline.
Comment: Advanced modeling of protein sequence and biophysical properties (such as structural, functional, and spatial information, amino acid conservation, physicochemical variation, residue mobility, and thermodynamic stability) performed at Invitae indicates that this missense variant is not expected to disrupt FOXN1 protein function. In summary, the available evidence is currently insufficient to determine the role of this variant in disease. Therefore, it has been classified as a Variant of Uncertain Significance. This variant has not been reported in the literature in individuals affected with FOXN1-related conditions. This variant is present in population databases (no rsID available, gnomAD 0.0009%). This sequence change replaces glycine, which is neutral and non-polar, with glutamic acid, which is acidic and polar, at codon 153 of the FOXN1 protein (p.Gly153Glu).

NM_001369369.1(FOXN1):c.458G>A (p.Gly153Glu)

Gene: FOXN1 (forkhead box N1; plus strand). Cytogenetic location: 17q11.2.
Variant type: single nucleotide variant.
Coding change: c.458G>A on transcript NM_001369369.1 (MANE Select); coding-DNA position 458, G replaced by A.
Protein change: p.Gly153Glu; replaces glycine 153 with glutamic acid.
Molecular consequence: missense variant.
Genome position (GRCh38, 1-based): chr17:28,524,837, G>A. VCF-style: chr17-28524837-G-A. GRCh37 (hg19) VCF-style: chr17-26851855-G-A.
Other names: c.458G>A, p.Gly153Glu (NM_003593.3); short protein forms G153E.
Identifiers: ClinVar variation 2982369 (VCV002982369.3), dbSNP rs755829506, ClinGen allele CA398321730.
Genomic context (GRCh38, chr17:28,524,837, plus strand): 5'-ACGTCTTCCCAGAGGCCGAGACCACCCTGGCCCTCAAAGGACACTCCTTTAAGACCCCAG[G>A]GCCGCTGGAGGCCTTCGAGGAGATCCCAGTGGACGTGGCGGAGGCCGAGGCCTTCCTGCC-3'
Protein context (NP_001356298.1, residues 143-163): ALKGHSFKTP[Gly153Glu]PLEAFEEIPV